The following is an entry in ClinVar:

NM_033310.3(KCNK4):c.973A>G (p.Lys325Glu)

Genes: KCNK4 (potassium two pore domain channel subfamily K member 4; plus strand), KCNK4-CATSPERZ (KCNK4-CATSPERZ readthrough (NMD candidate); plus strand). Cytogenetic location: 11q13.1.
Variant type: single nucleotide variant.
Coding change: c.973A>G on transcript NM_033310.3 (MANE Select); coding-DNA position 973, A replaced by G.
Protein change: p.Lys325Glu; replaces lysine 325 with glutamic acid.
Molecular consequence: missense variant. On other transcripts: non-coding transcript variant (3).
Genome position (GRCh38, 1-based): chr11:64,299,517, A>G. VCF-style: chr11-64299517-A-G. GRCh37 (hg19) VCF-style: chr11-64066989-A-G.
Other names: c.973A>G, p.Lys325Glu (NM_001317090.2); short protein forms K325E.
Identifiers: ClinVar variation 4852283 (VCV004852283.1).
Genomic context (GRCh38, chr11:64,299,517, plus strand): 5'-CCTCCACCGCCCTGTCCAGCGCAGCCGCTGGGCAGGCCCCGATCCCCTTCGCCCCCCGAG[A>G]AGGCTCAGCCGCCTTCCCCGCCCACGGCCTCGGCCCTGGATTATCCCAGCGAGAACCTGG-3'
Protein context (NP_201567.1, residues 315-335): GRPRSPSPPE[Lys325Glu]AQPPSPPTAS

ClinVar aggregate classification (germline): Likely benign (1 of 4 stars; one submission).

Conditions:
Facial dysmorphism, hypertrichosis, epilepsy, intellectual/developmental delay, and gingival overgrowth syndrome. Identifiers: Orphanet 598603, MedGen C5193066, MONDO:0032714, OMIM 618381.

Submission:

Centre for Medical Genetics,  Mumbai
Classification: Likely benign for Facial dysmorphism, hypertrichosis, epilepsy, intellectual/developmental delay, and gingival overgrowth syndrome. Last evaluated: 2026-05-04. Review status: criteria provided, single submitter. Criteria: ACMG Guidelines, 2015. Collection method: provider interpretation. Allele origin: germline. Inheritance: Autosomal dominant inheritance. Affected: no. Observed: 1 variant allele, 1 heterozygote.
Comment: The variant satisfies PM2 criteria - extremely low frequency in gnomAD population databases. The variant satisfies BP4 criteria - for a missense or a splice region variant, computational prediction tools unanimously support a benign effect on the gene. However, the variant satisfies BS2 criteria - present in heterozygous state in an individual that clinically does not have Facial dysmorphism, hypertrichosis, epilepsy, intellectual/developmental delay, and gingival overgrowth syndrome.

Literature cited by the submitters: PubMed 30290154.